The following is an entry in ClinVar:

NM_001999.4(FBN2):c.4140G>C (p.Met1380Ile)

Gene: FBN2 (fibrillin 2; minus strand). Cytogenetic location: 5q23.3.
Variant type: single nucleotide variant.
Coding change: c.4140G>C on transcript NM_001999.4 (MANE Select); coding-DNA position 4140, G replaced by C.
Protein change: p.Met1380Ile; replaces methionine 1380 with isoleucine.
Molecular consequence: missense variant.
Genome position (GRCh38, 1-based): chr5:128,332,994, C>G on the plus strand (G>C on the coding strand, the complement: FBN2 is on the minus strand). VCF-style: chr5-128332994-C-G. GRCh37 (hg19) VCF-style: chr5-127668686-C-G.
Other names: short protein forms M1380I.
Identifiers: ClinVar variation 1738165 (VCV001738165.3), dbSNP rs1275467420, ClinGen allele CA360755216.

ClinVar aggregate classification (germline): Uncertain significance. Review status: criteria provided, multiple submitters, no conflicts (2 of 4 stars). 2 submissions from 2 submitters: Uncertain significance (2). Last evaluated 2022-12-08.

Conditions:
Familial thoracic aortic aneurysm and aortic dissection (TAAD). Also called: Thoracic aortic aneurysms and dissections. Identifiers: Orphanet 91387, MedGen C4707243, MONDO:0019625.

Allele frequency attached by ClinVar (database versions not stated): gnomAD exomes below 0.00001.

Submissions (2):

GeneDx
Classification: Uncertain significance. Last evaluated: 2022-12-08. Review status: criteria provided, single submitter. Criteria: GeneDx Variant Classification Process June 2021. Collection method: clinical testing. Allele origin: germline. Affected: yes.
Comment: Not observed at significant frequency in large population cohorts (gnomAD); In silico analysis supports that this missense variant does not alter protein structure/function; Has not been previously published as pathogenic or benign to our knowledge; Although located in a calcium-binding EGF-like domain of the FBN2 gene, it does not substitute or introduce a cysteine residue (Callewaert et al., 2009; Frederic et al., 2009); This variant is associated with the following publications: (PMID: 19006240, 18767143)

Ambry Genetics
Classification: Uncertain significance for Familial thoracic aortic aneurysm and aortic dissection. Last evaluated: 2021-06-22. Review status: criteria provided, single submitter. Criteria: Ambry Variant Classification Scheme 2023. Collection method: clinical testing. Allele origin: germline.
Comment: The p.M1380I variant (also known as c.4140G>C), located in coding exon 32 of the FBN2 gene, results from a G to C substitution at nucleotide position 4140. The methionine at codon 1380 is replaced by isoleucine, an amino acid with highly similar properties. This amino acid position is well conserved in available vertebrate species. In addition, the in silico prediction for this alteration is inconclusive. Since supporting evidence is limited at this time, the clinical significance of this alteration remains unclear.